The following is an entry in ClinVar:

ClinVar aggregate classification (germline): Pathogenic (1 of 4 stars; one submission).

Conditions:
Hereditary factor VIII deficiency disease (HEMA). Also called: AUTOSOMAL HEMOPHILIA A; Hemophilia A; Hemophilia A, congenital; HEM A; Factor 8 deficiency, congenital; HEMOPHILIA, CLASSIC. Identifiers: Orphanet 98878, MedGen C0019069, MONDO:0010602, OMIM 306700.

Submission:

Myriad Genetics, Inc.
Classification: Pathogenic for Hereditary factor VIII deficiency disease. Last evaluated: 2024-07-17. Review status: criteria provided, single submitter. Criteria: Myriad Autosomal Dominant, Autosomal Recessive and X-Linked Classification Criteria (2023). Collection method: clinical testing. Allele origin: unknown.
Comment: NM_000132.3(F8):c.3292C>T(Q1098*) is expected to be pathogenic in the context of hemophilia A. This variant is predicted to lead to an abnormal or absent protein product due to the creation of a premature termination codon in F8, a gene where loss-of-function variants are known to be pathogenic. Please note: this variant was assessed in the context of healthy population screening.

NM_000132.4(F8):c.3292C>T (p.Gln1098Ter)

Gene: F8 (coagulation factor VIII; minus strand). Cytogenetic location: Xq28.
Variant type: single nucleotide variant.
Coding change: c.3292C>T on transcript NM_000132.4 (MANE Select); coding-DNA position 3292, C replaced by T.
Protein change: p.Gln1098Ter; replaces glutamine 1098 with a stop codon.
Molecular consequence: nonsense.
Genome position (GRCh38, 1-based): chrX:154,930,498, G>A on the plus strand (C>T on the coding strand, the complement: F8 is on the minus strand). VCF-style: chrX-154930498-G-A. GRCh37 (hg19) VCF-style: chrX-154158773-G-A.
Other names: short protein forms Q1098*.
Identifiers: ClinVar variation 5013330 (VCV005013330.1).
Genomic context (GRCh38, chrX:154,930,498, plus strand): 5'-TCTTAAAGAACGACATATCTGGATTTTGTGCATCTGGTGGAATGGGGCCCTCTTTTTTCT[G>A]TTGGACCATTTCCATGTTTTTTGATGAAGTAGTTTTATTTGACATATGATTTAGCCTCAA-3'